The following is an entry in ClinVar:

ClinVar aggregate classification (germline): Uncertain significance (1 of 4 stars; one submission).

Allele frequency attached by ClinVar (database versions not stated): gnomAD 0.00001 and 0.00002; gnomAD exomes 0.00001 and 0.00002; ExAC 0.00002; TOPMed 0.00004; 1000 Genomes Project 30x 0.00021; 1000 Genomes Project 0.00026.
gnomAD v4.1: 7 of 1,210,010 alleles (0.00058%); highest among the groups gnomAD compares: Admixed American, 0.0066%; no homozygotes.

Submission:

GeneDx
Classification: Uncertain significance. Last evaluated: 2019-10-20. Review status: criteria provided, single submitter. Criteria: GeneDx Variant Classification Process June 2021. Collection method: clinical testing. Allele origin: germline. Affected: yes.
Comment: In silico analysis, which includes protein predictors and evolutionary conservation, supports that this variant does not alter protein structure/function

NM_019597.5(HNRNPH2):c.1171G>A (p.Ala391Thr)

Genes: HNRNPH2 (heterogeneous nuclear ribonucleoprotein H2; plus strand), RPL36A-HNRNPH2 (RPL36A-HNRNPH2 readthrough; plus strand). Cytogenetic location: Xq22.1.
Variant type: single nucleotide variant.
Coding change: c.1171G>A on transcript NM_019597.5 (MANE Select); coding-DNA position 1171, G replaced by A.
Protein change: p.Ala391Thr; replaces alanine 391 with threonine.
Molecular consequence: missense variant. On other transcripts: 3 prime UTR variant (2).
Genome position (GRCh38, 1-based): chrX:101,413,159, G>A. VCF-style: chrX-101413159-G-A. GRCh37 (hg19) VCF-style: chrX-100668147-G-A.
Other names: c.*1167G>A (NM_001199973.2, NM_001199974.2); c.1171G>A, p.Ala391Thr (NM_001032393.3); short protein forms A391T.
Identifiers: ClinVar variation 432251 (VCV000432251.4), dbSNP rs199773177, ClinGen allele CA10473504.